The following is an entry in ClinVar:

NM_016341.4(PLCE1):c.6317G>A (p.Arg2106Lys)

Genes: NOC3L (NOC3 like DNA replication regulator; minus strand), PLCE1 (phospholipase C epsilon 1; plus strand). Cytogenetic location: 10q23.33.
Variant type: single nucleotide variant.
Coding change: c.6317G>A on transcript NM_016341.4 (MANE Select); coding-DNA position 6317, G replaced by A.
Protein change: p.Arg2106Lys; replaces arginine 2106 with lysine.
Molecular consequence: missense variant.
Genome position (GRCh38, 1-based): chr10:94,316,731, G>A. VCF-style: chr10-94316731-G-A. GRCh37 (hg19) VCF-style: chr10-96076488-G-A.
Other names: c.5393G>A, p.Arg1798Lys (NM_001165979.2); c.6269G>A, p.Arg2090Lys (NM_001288989.2); short protein forms R1798K, R2090K, R2106K.
Identifiers: ClinVar variation 2506762 (VCV002506762.1), dbSNP rs753257897, ClinGen allele CA5613541.

ClinVar aggregate classification (germline): Uncertain significance (1 of 4 stars; one submission).

Allele frequency attached by ClinVar (database versions not stated): gnomAD exomes below 0.00001; ExAC 0.00002.
gnomAD v4.1: 2 of 1,613,968 alleles (0.00012%); highest among the groups gnomAD compares: South Asian, 0.0022%; 1 homozygote.

Submission:

GeneDx
Classification: Uncertain significance. Last evaluated: 2022-12-20. Review status: criteria provided, single submitter. Criteria: GeneDx Variant Classification Process June 2021. Collection method: clinical testing. Allele origin: germline. Affected: yes.
Comment: In silico analysis supports that this missense variant does not alter protein structure/function; Has not been previously published as pathogenic or benign to our knowledge